The following is an entry in ClinVar:

ClinVar aggregate classification (germline): Pathogenic (1 of 4 stars; one submission).

Submission:

Labcorp Genetics (formerly Invitae), Labcorp
Classification: Pathogenic. Last evaluated: 2021-07-12. Review status: criteria provided, single submitter. Criteria: Invitae Variant Classification Sherloc (09022015). Collection method: clinical testing. Allele origin: germline.
Comment: This variant has not been reported in the literature in individuals affected with LMX1B-related conditions. For these reasons, this variant has been classified as Pathogenic. This variant is not present in population databases (ExAC no frequency). This sequence change creates a premature translational stop signal (p.Met119Thrfs*12) in the LMX1B gene. It is expected to result in an absent or disrupted protein product. Loss-of-function variants in LMX1B are known to be pathogenic (PMID: 9590287, 15498463).

Literature cited by the submitters: PubMed 9590287; PubMed 15498463.

NM_001174147.2(LMX1B):c.351_355dup (p.Met119fs)

Gene: LMX1B (LIM homeobox transcription factor 1 beta; plus strand). Cytogenetic location: 9q33.3.
Variant type: Duplication.
Coding change: c.351_355dup on transcript NM_001174147.2 (MANE Select); coding-DNA positions 351 to 355, 5 bases duplicated (CTGCA; older notation c.351_355dupCTGCA).
Protein change: p.Met119fs; shifts the reading frame from methionine 119.
Molecular consequence: frameshift variant.
Genome position (GRCh38, 1-based): chr9:126,690,860-126,690,864, CTGCA duplicated. VCF-style (leftmost placement, unchanged base first): chr9-126690859-G-GCTGCA. GRCh37 (hg19) VCF-style: chr9-129453138-G-GCTGCA.
Other names: c.351_355dup, p.Met119fs (NM_001174146.2, NM_002316.4); short protein forms M119fs.
Identifiers: ClinVar variation 1369797 (VCV001369797.6), dbSNP rs2118986709, ClinGen allele CA2573143935.